The following is an entry in ClinVar:

ClinVar aggregate classification (germline): Pathogenic (1 of 4 stars; one submission).

Submission:

Labcorp Genetics (formerly Invitae), Labcorp
Classification: Pathogenic. Last evaluated: 2022-04-14. Review status: criteria provided, single submitter. Criteria: Invitae Variant Classification Sherloc (09022015). Collection method: clinical testing. Allele origin: germline.
Comment: For these reasons, this variant has been classified as Pathogenic. This variant has not been reported in the literature in individuals affected with VPS13A-related conditions. This variant is not present in population databases (gnomAD no frequency). This sequence change creates a premature translational stop signal (p.Leu101*) in the VPS13A gene. It is expected to result in an absent or disrupted protein product. Loss-of-function variants in VPS13A are known to be pathogenic (PMID: 12404112, 21598378).

Literature cited by the submitters: PubMed 12404112; PubMed 21598378.

NM_033305.3(VPS13A):c.302_306del (p.Pro100_Leu101insTer)

Gene: VPS13A (vacuolar protein sorting 13 homolog A; plus strand). Cytogenetic location: 9q21.2.
Variant type: Deletion.
Coding change: c.302_306del on transcript NM_033305.3 (MANE Select); coding-DNA positions 302 to 306, 5 bases deleted (TAAAA; older notation c.302_306delTAAAA).
Protein change: p.Pro100_Leu101insTer.
Molecular consequence: nonsense.
Genome position (GRCh38, 1-based): chr9:77,205,996-77,206,000, TAAAA deleted. VCF-style (leftmost placement, unchanged base first): chr9-77205995-TTAAAA-T. GRCh37 (hg19) VCF-style: chr9-79820911-TTAAAA-T.
Other names: c.302_306del, p.Pro100_Leu101insTer (NM_001018037.2, NM_001018038.3, NM_015186.4).
Identifiers: ClinVar variation 1428153 (VCV001428153.6), dbSNP rs2131125631, ClinGen allele CA2573144772.